The following is an entry in ClinVar:

ClinVar aggregate classification (germline): Uncertain significance (1 of 4 stars; one submission).

Conditions:
Menkes kinky-hair syndrome (MNK). Also called: Classic Menkes Disease; Copper transport disease; Menkes Disease. Identifiers: Orphanet 565, MedGen C0022716, MONDO:0010651, OMIM 309400.
Cutis laxa, X-linked (OHS). Also called: EDS IX; Occipital horn syndrome. Identifiers: Orphanet 198, MedGen C0268353, MONDO:0010572, OMIM 304150.
X-linked distal spinal muscular atrophy type 3. Also called: ATP7A-Related Distal Motor Neuropathy; SPINAL MUSCULAR ATROPHY, DISTAL, X-LINKED RECESSIVE; NEURONOPATHY, DISTAL HEREDITARY MOTOR, X-LINKED; NEUROPATHY, DISTAL HEREDITARY MOTOR, X-LINKED. Identifiers: Orphanet 139557, MedGen C1845359, MONDO:0010338, OMIM 300489.

gnomAD v4.1: 3 of 1,211,556 alleles (0.00025%); highest among the groups gnomAD compares: Admixed American, 0.0043%; no homozygotes.

Submission:

Labcorp Genetics (formerly Invitae), Labcorp
Classification: Uncertain significance for X-linked distal spinal muscular atrophy type 3; Cutis laxa, X-linked; Menkes kinky-hair syndrome. Last evaluated: 2025-10-14. Review status: criteria provided, single submitter. Criteria: Invitae Variant Classification Sherloc (09022015). Collection method: clinical testing. Allele origin: germline.
Comment: This sequence change replaces cysteine, which is neutral and slightly polar, with tyrosine, which is neutral and polar, at codon 288 of the ATP7A protein (p.Cys288Tyr). This variant is not present in population databases (gnomAD no frequency). This variant has not been reported in the literature in individuals affected with ATP7A-related conditions. Invitae Evidence Modeling of protein sequence and biophysical properties (such as structural, functional, and spatial information, amino acid conservation, physicochemical variation, residue mobility, and thermodynamic stability) indicates that this missense variant is expected to disrupt ATP7A protein function with a positive predictive value of 95%. In summary, the available evidence is currently insufficient to determine the role of this variant in disease. Therefore, it has been classified as a Variant of Uncertain Significance.

NM_000052.7(ATP7A):c.863G>A (p.Cys288Tyr)

Gene: ATP7A (ATPase copper transporting alpha; plus strand). Cytogenetic location: Xq21.1.
Variant type: single nucleotide variant.
Coding change: c.863G>A on transcript NM_000052.7 (MANE Select); coding-DNA position 863, G replaced by A.
Protein change: p.Cys288Tyr; replaces cysteine 288 with tyrosine.
Molecular consequence: missense variant.
Genome position (GRCh38, 1-based): chrX:77,989,485, G>A. VCF-style: chrX-77989485-G-A. GRCh37 (hg19) VCF-style: chrX-77244981-G-A.
Other names: c.863G>A, p.Cys288Tyr (NM_001282224.2); short protein forms C288Y.
Identifiers: ClinVar variation 4794406 (VCV004794406.1).